The following is an entry in ClinVar:

ClinVar aggregate classification (germline): Uncertain significance (1 of 4 stars; one submission).

Allele frequency attached by ClinVar (database versions not stated): gnomAD 0.00003 and 0.00004; TOPMed 0.00003.
gnomAD v4.1: 5 of 151,808 alleles (0.0033%); highest among the groups gnomAD compares: African/African-American, 0.012%; no homozygotes.

Submission:

GeneDx
Classification: Uncertain significance. Last evaluated: 2015-06-03. Review status: criteria provided, single submitter. Criteria: GeneDx Variant Classification (06012015). Collection method: clinical testing. Allele origin: germline. Affected: yes.
Comment: This variant is denoted BMPR1A c.-267-1G>A or IVS1-1G>A and consists of a G>A nucleotide substitution at the -1 position of intron 1 of the BMPR1A gene. Of note BMPR1A exons 1 and 2 are non-coding, and the BMPR1A ATG translational start site is located in exon 3. While this variant destroys the canonical splice acceptor site in intron 1, possibly leading to exon 2 skipping, it is unknown whether skipping of the non-coding exon 2 will affect RNA secondary structure and/or protein translation. This variant has not, to our knowledge, been published in the literature. At this time, we consider BMPR1A c.-267-1G>A to be a variant of uncertain significance.

NM_004329.3(BMPR1A):c.-267-1G>A

Gene: BMPR1A (bone morphogenetic protein receptor type 1A; plus strand). Cytogenetic location: 10q23.2.
Variant type: single nucleotide variant.
Coding change: c.-267-1G>A on transcript NM_004329.3 (MANE Select); the canonical splice acceptor site of the intron before 267 bases upstream of the start codon, G replaced by A.
Molecular consequence: splice acceptor variant. On other transcripts: 5 prime UTR variant (1), intron variant (4).
Genome position (GRCh38, 1-based): chr10:86,838,864, G>A. VCF-style: chr10-86838864-G-A. GRCh37 (hg19) VCF-style: chr10-88598621-G-A.
Other names: c.-268G>A (NM_001406573.1); c.-372-1G>A (NM_001406562.1, NM_001406564.1, NM_001406572.1 and 2 more transcripts); c.-267-1G>A (NM_001406568.1, NM_001406566.1, NM_001406577.1 and 6 more transcripts); c.-152-37003G>A (NM_001406567.1, NM_001406570.1); c.-474-1G>A (NM_001406576.1); c.-471-1G>A (NM_001406575.1); c.-686-1G>A (NM_001406571.1); c.-664-1G>A (NM_001406563.1); and 10 more.
Identifiers: ClinVar variation 419169 (VCV000419169.2), dbSNP rs991646270, ClinGen allele CA16618995.
Genomic context (GRCh38, chr10:86,838,864, plus strand): 5'-AGATGTATTATTCTGACAAAGTTCCCTAAGTCTTAAATAAGTTCTTTTTTTTTCTAAACA[G>A]ACTTATGAAAATATGCATCAGTTTAATACTGTCTTGGAATTCATGAGATGGAAGCATAGG-3'